The following is an entry in ClinVar:

ClinVar aggregate classification (germline): Pathogenic (1 of 4 stars; one submission).

Conditions:
Autosomal dominant polycystic kidney disease. Identifiers: Orphanet 730, MedGen C0085413, MONDO:0004691.

Submission:

Labcorp Genetics (formerly Invitae), Labcorp
Classification: Pathogenic for Autosomal dominant polycystic kidney disease. Last evaluated: 2022-10-23. Review status: criteria provided, single submitter. Criteria: Invitae Variant Classification Sherloc (09022015). Collection method: clinical testing. Allele origin: germline.
Comment: For these reasons, this variant has been classified as Pathogenic. Algorithms developed to predict the effect of sequence changes on RNA splicing suggest that this variant may disrupt the consensus splice site. This variant has not been reported in the literature in individuals affected with PKD2-related conditions. This variant is not present in population databases (gnomAD no frequency). This sequence change creates a premature translational stop signal (p.Tyr348Cysfs*3) in the PKD2 gene. It is expected to result in an absent or disrupted protein product. Loss-of-function variants in PKD2 are known to be pathogenic (PMID: 17582161, 22863349).

Literature cited by the submitters: PubMed 17582161; PubMed 22863349.

NM_000297.4(PKD2):c.1043_1047del (p.Tyr348fs)

Gene: PKD2 (polycystin 2, transient receptor potential cation channel; plus strand). Cytogenetic location: 4q22.1.
Variant type: Deletion.
Coding change: c.1043_1047del on transcript NM_000297.4 (MANE Select); coding-DNA positions 1043 to 1047, 5 bases deleted (ACTCT; older notation c.1043_1047delACTCT).
Protein change: p.Tyr348fs; shifts the reading frame from tyrosine 348.
Molecular consequence: frameshift variant. On other transcripts: non-coding transcript variant (1).
Genome position (GRCh38, 1-based): chr4:88,038,450-88,038,454, ACTCT deleted; deleting any 5 consecutive bases within chr4:88,038,447-88,038,454 gives the same sequence; the c. name uses the placement nearest the transcript's 3' end. VCF-style (leftmost placement, unchanged base first): chr4-88038446-GTCTAC-G. GRCh37 (hg19) VCF-style: chr4-88959598-GTCTAC-G.
Other names: short protein forms Y348fs.
Identifiers: ClinVar variation 2035926 (VCV002035926.4), dbSNP rs2475901790, ClinGen allele CA2580071862.
Genomic context (GRCh38, chr4:88,038,446, plus strand): 5'-AGAAATGGATCCTGCTCTATCCCCCAGGACTTGAGAGATGAAATTAAAGAGTGCTATGAT[GTCTAC>G]TCTGTCAGTAGTGAAGATAGGGCTCCCTTTGGGCCCCGAAATGGAACCGCGTAAGTGTCT-3'